The following is an entry in ClinVar:

NM_000918.4(P4HB):c.1160del (p.Asn387fs)

Gene: P4HB (prolyl 4-hydroxylase subunit beta; minus strand). Cytogenetic location: 17q25.3.
Variant type: Deletion.
Coding change: c.1160del on transcript NM_000918.4 (MANE Select); coding-DNA position 1160, one base deleted (A; older notation c.1160delA).
Protein change: p.Asn387fs; shifts the reading frame from asparagine 387.
Molecular consequence: frameshift variant.
Genome position (GRCh38, 1-based): chr17:81,845,888, T deleted on the plus strand (A on the coding strand, the reverse complement: P4HB is on the minus strand); the first of 8 consecutive T bases (chr17:81,845,888-81,845,895); deleting any one gives the same sequence. VCF-style (leftmost placement, unchanged base first): chr17-81845887-GT-G. GRCh37 (hg19) VCF-style: chr17-79803763-GT-G.
Other names: short protein forms N387fs.
Identifiers: ClinVar variation 2443500 (VCV002443500.1), dbSNP rs763394045, ClinGen allele CA8842710.

ClinVar aggregate classification (germline): Uncertain significance (1 of 4 stars; one submission).

Submission:

GeneDx
Classification: Uncertain significance. Last evaluated: 2022-09-09. Review status: criteria provided, single submitter. Criteria: GeneDx Variant Classification Process June 2021. Collection method: clinical testing. Allele origin: germline. Affected: yes.
Comment: Frameshift variant predicted to result in protein truncation as the last 122 amino acids are replaced with 117 different amino acids, although loss-of-function variants have not been reported downstream of this position in the protein; Has not been previously published as pathogenic or benign to our knowledge